The following is an entry in ClinVar:

ClinVar aggregate classification (germline): Benign/Likely benign. Review status: criteria provided, multiple submitters, no conflicts (2 of 4 stars). 3 submissions from 3 submitters: Benign (1); Likely benign (2). Last evaluated 2024-10-18.

Conditions:
Hereditary cancer-predisposing syndrome. Also called: Tumor predisposition; Hereditary Cancer Syndrome; Neoplastic Syndromes, Hereditary; Hereditary neoplastic syndrome. Identifiers: Orphanet 140162, MedGen C0027672, MeSH D009386, MONDO:0015356.
Juvenile polyposis syndrome (JPS). Identifiers: Orphanet 2929, MedGen C0345893, MONDO:0017380, OMIM 174900.

Submissions (3):

Ambry Genetics
Classification: Likely benign for Hereditary cancer-predisposing syndrome. Last evaluated: 2024-10-18. Review status: criteria provided, single submitter. Criteria: Ambry Variant Classification Scheme 2023. Collection method: clinical testing. Allele origin: germline.

Myriad Genetics, Inc.
Classification: Benign for Juvenile polyposis syndrome. Last evaluated: 2024-08-05. Review status: criteria provided, single submitter. Criteria: Myriad Autosomal Dominant, Autosomal Recessive and X-Linked Classification Criteria (2023). Collection method: clinical testing. Allele origin: unknown.
Comment: This variant is considered benign. This variant is a silent/synonymous amino acid change and it is not expected to impact splicing.

Labcorp Genetics (formerly Invitae), Labcorp
Classification: Likely benign for Juvenile polyposis syndrome. Last evaluated: 2024-02-17. Review status: criteria provided, single submitter. Criteria: Invitae Variant Classification Sherloc (09022015). Collection method: clinical testing. Allele origin: germline.

NM_004329.3(BMPR1A):c.951C>G (p.Leu317=)

Gene: BMPR1A (bone morphogenetic protein receptor type 1A; plus strand). Cytogenetic location: 10q23.2.
Variant type: single nucleotide variant.
Coding change: c.951C>G on transcript NM_004329.3 (MANE Select); coding-DNA position 951, C replaced by G.
Protein change: p.Leu317=; no amino-acid change (leucine 317 retained).
Molecular consequence: synonymous variant.
Genome position (GRCh38, 1-based): chr10:86,919,254, C>G. VCF-style: chr10-86919254-C-G. GRCh37 (hg19) VCF-style: chr10-88679011-C-G.
Identifiers: ClinVar variation 758564 (VCV000758564.11), dbSNP rs908671564, ClinGen allele CA470372791.